The following is an entry in ClinVar:

ClinVar aggregate classification (germline): Likely pathogenic (1 of 4 stars; one submission).

Submission:

GeneDx
Classification: Likely pathogenic. Last evaluated: 2011-11-09. Review status: criteria provided, single submitter. Criteria: GeneDx Variant Classification (06012015). Collection method: clinical testing. Allele origin: germline. Affected: yes.
Comment: This variant is denoted Met439Arg (aka M439R) at the protein level and c.1316 T>G at the cDNA level. The Met439Arg variant in the MYH7 gene has not been reported previously as a disease-causing mutation or as a benign polymorphism, to our knowledge. The Met439Arg results in a non-conservative amino acid substitution of a non-polar Methionine with a polar Arginine at a position that is class conserved throughout evolution. In silico analysis predicts this change to be damaging to the protein structure/function. In addition, mutations in nearby codons (Met435Thr, Val440Met, Thr441Met, Arg442His, Arg442Cys, Ile443Thr) have been reported in association with cardiomyopathy, further supporting the functional importance of this region of the protein. Furthermore, Met439Arg was not observed in 578 alleles from individuals of various ethnic backgrounds, indicating it is not a common benign variant. With the clinical and molecular information available at this time, we cannot unequivocally determine the clinical significance of the Met439Arg variant, though evidence suggests it is likely disease-causing. The variant is found in DCM panel(s).

NM_000257.4(MYH7):c.1316T>G (p.Met439Arg)

Gene: MYH7 (myosin heavy chain 7; minus strand). Cytogenetic location: 14q11.2.
Variant type: single nucleotide variant.
Coding change: c.1316T>G on transcript NM_000257.4 (MANE Select); coding-DNA position 1316, T replaced by G.
Protein change: p.Met439Arg; replaces methionine 439 with arginine.
Molecular consequence: missense variant.
Genome position (GRCh38, 1-based): chr14:23,429,046, A>C on the plus strand (T>G on the coding strand, the complement: MYH7 is on the minus strand). VCF-style: chr14-23429046-A-C. GRCh37 (hg19) VCF-style: chr14-23898255-A-C.
Other names: p.M439R:ATG>AGG; c.1316T>G (LRG_384t1); short protein forms M439R.
Identifiers: ClinVar variation 181406 (VCV000181406.2), dbSNP rs730880927, ClinGen allele CA010528.